The following is an entry in ClinVar:

ClinVar aggregate classification (germline): Uncertain significance (1 of 4 stars; one submission).

Conditions:
Long QT syndrome 10 (LQT10). Identifiers: Orphanet 101016, Orphanet 768, MedGen C2678484, MONDO:0012737, OMIM 611819.

Submission:

Labcorp Genetics (formerly Invitae), Labcorp
Classification: Uncertain significance for Long QT syndrome 10. Last evaluated: 2024-01-23. Review status: criteria provided, single submitter. Criteria: Invitae Variant Classification Sherloc (09022015). Collection method: clinical testing. Allele origin: germline.
Comment: This sequence change replaces lysine, which is basic and polar, with arginine, which is basic and polar, at codon 199 of the SCN4B protein (p.Lys199Arg). This variant is present in population databases (rs758628437, gnomAD 0.0009%). This variant has not been reported in the literature in individuals affected with SCN4B-related conditions. ClinVar contains an entry for this variant (Variation ID: 403961). An algorithm developed to predict the effect of missense changes on protein structure and function (PolyPhen-2) suggests that this variant is likely to be disruptive. In summary, the available evidence is currently insufficient to determine the role of this variant in disease. Therefore, it has been classified as a Variant of Uncertain Significance.

NM_174934.4(SCN4B):c.596A>G (p.Lys199Arg)

Gene: SCN4B (sodium voltage-gated channel beta subunit 4; minus strand). Cytogenetic location: 11q23.3.
Variant type: single nucleotide variant.
Coding change: c.596A>G on transcript NM_174934.4 (MANE Select); coding-DNA position 596, A replaced by G.
Protein change: p.Lys199Arg; replaces lysine 199 with arginine.
Molecular consequence: missense variant. On other transcripts: non-coding transcript variant (1).
Genome position (GRCh38, 1-based): chr11:118,137,118, T>C on the plus strand (A>G on the coding strand, the complement: SCN4B is on the minus strand). VCF-style: chr11-118137118-T-C. GRCh37 (hg19) VCF-style: chr11-118007833-T-C.
Other names: c.194A>G, p.Lys65Arg (NM_001142348.2); c.266A>G, p.Lys89Arg (NM_001142349.2); short protein forms K199R, K65R, K89R.
Identifiers: ClinVar variation 403961 (VCV000403961.8), dbSNP rs758628437, ClinGen allele CA6300141.
Genomic context (GRCh38, chr11:118,137,118, plus strand): 5'-TTGGAGCCAGGCAAGCCGTTCTCCGTGTTGTCATTCCCCGAGGAGCTCACGAGACACTCC[T>C]TCCTGGAGAGGGAGAGAGAAGGGACAGTGGTGAGGAGAGGAGCAAGAGTAGGGGGAGAAT-3'
Protein context (NP_777594.1, residues 189-209): FILKKTREKK[Lys199Arg]ECLVSSSGND